The following is an entry in ClinVar:

NC_000001.10:g.(?_173825784)_(173826843_?)del

Gene: DARS2 (aspartyl-tRNA synthetase 2, mitochondrial; plus strand). Cytogenetic location: 1q25.1.
Variant type: Deletion.
Identifiers: ClinVar variation 1522100 (VCV001522100.7).

ClinVar aggregate classification (germline): Likely pathogenic (1 of 4 stars; one submission).

Submission:

Labcorp Genetics (formerly Invitae), Labcorp
Classification: Likely pathogenic. Last evaluated: 2022-10-31. Review status: criteria provided, single submitter. Criteria: Invitae Variant Classification Sherloc (09022015). Collection method: clinical testing. Allele origin: germline.
Comment: In summary, the currently available evidence indicates that the variant is pathogenic, but additional data are needed to prove that conclusively. Therefore, this variant has been classified as Likely Pathogenic. This variant disrupts the p.Asp560 amino acid residue in DARS2. Other variant(s) that disrupt this residue have been determined to be pathogenic (PMID: 17384640). This suggests that this residue is clinically significant, and that variants that disrupt this residue are likely to be disease-causing. This variant has not been reported in the literature in individuals affected with DARS2-related conditions. This variant is a gross deletion of the genomic region encompassing exon(s) 16-17 of the DARS2 gene, which includes the termination codon. This deletion extends beyond the assayed region for this gene and therefore may encompass additional genes. While this deletion is not anticipated to lead to nonsense mediated decay, it is expected to alter mRNA translation or result in a truncated protein product.

Literature cited by the submitters: PubMed 17384640.